The following is an entry in ClinVar:

NM_139017.7(IL31RA):c.63+1922C>T

Gene: IL31RA (interleukin 31 receptor A; plus strand). Cytogenetic location: 5q11.2.
Variant type: single nucleotide variant.
Coding change: c.63+1922C>T on transcript NM_139017.7 (MANE Select); 1922 bases into the intron after coding-DNA position 63, C replaced by T.
Molecular consequence: intron variant. On other transcripts: 5 prime UTR variant (3).
Genome position (GRCh38, 1-based): chr5:55,853,555, C>T. VCF-style: chr5-55853555-C-T. GRCh37 (hg19) VCF-style: chr5-55149383-C-T.
Other names: c.-7C>T (NM_001242636.2, NM_001242638.2); c.-520C>T (NM_001242639.2); c.63+1922C>T (NM_001242637.2, NM_001297570.3).
Identifiers: ClinVar variation 2655465 (VCV002655465.24), dbSNP rs190185736, ClinGen allele CA3270370.
Genomic context (GRCh38, chr5:55,853,555, plus strand): 5'-GAGGTGGAGTTGCCTTTGATGCAAATCCTTTGAGCCAGCAGAACATCTGTGGAACATCCC[C>T]TGATACATGAAGGTGAGTGCTAATTCATTTAGAAGAGTGATAGTTTGATCATCTTTTTCT-3'

ClinVar aggregate classification (germline): Likely benign (1 of 4 stars; one submission).

Allele frequency attached by ClinVar (database versions not stated): 1000 Genomes Project 0.00120; 1000 Genomes Project 30x 0.00172; ExAC 0.00291; TOPMed 0.00405; gnomAD 0.00460; gnomAD exomes 0.00676.
gnomAD v4.1: 10,013 of 1,550,846 alleles (0.65%); highest among the groups gnomAD compares: Non-Finnish European, 0.8%; 43 homozygotes.

Submission:

CeGaT Center for Human Genetics Tuebingen
Classification: Likely benign. Last evaluated: 2022-11-01. Review status: criteria provided, single submitter. Criteria: CeGaT Center For Human Genetics Tuebingen Variant Classification Criteria Version 2. Collection method: clinical testing. Allele origin: germline. Affected: yes. Observed: 1 variant allele.
Comment: IL31RA: BS2